The following is an entry in ClinVar:

NM_000256.3(MYBPC3):c.1218C>T (p.Ser406=)

Gene: MYBPC3 (myosin binding protein C3; minus strand). Cytogenetic location: 11p11.2.
Variant type: single nucleotide variant.
Coding change: c.1218C>T on transcript NM_000256.3 (MANE Select); coding-DNA position 1218, C replaced by T.
Protein change: p.Ser406=; no amino-acid change (serine 406 retained).
Molecular consequence: synonymous variant.
Genome position (GRCh38, 1-based): chr11:47,343,497, G>A on the plus strand (C>T on the coding strand, the complement: MYBPC3 is on the minus strand). VCF-style: chr11-47343497-G-A. GRCh37 (hg19) VCF-style: chr11-47365048-G-A.
Identifiers: ClinVar variation 920385 (VCV000920385.16), dbSNP rs748558425, ClinGen allele CA043168.

ClinVar aggregate classification (germline): Likely benign. Review status: criteria provided, multiple submitters, no conflicts (2 of 4 stars). 6 submissions from 6 submitters: Likely benign (6). Last evaluated 2025-12-08.

Conditions:
Cardiovascular phenotype. Identifiers: MedGen CN230736.
Cardiomyopathy (CMYO). Also called: Cardiomyopathies. Identifiers: Orphanet 167848, MedGen C0878544, MONDO:0004994, HP:0001638. Inheritance: Various modes of inheritance.
Hypertrophic cardiomyopathy. Also called: HYPERTROPHIC MYOCARDIOPATHY. Identifiers: Orphanet 217569, MedGen C0007194, MeSH D002312, MONDO:0005045, HP:0001639.
MYBPC3-related disorder. Also called: MYBPC3-related disorders; MYBPC3-related condition; MYBPC3-related disease.

Allele frequency attached by ClinVar (database versions not stated): gnomAD 0.00001; gnomAD exomes 0.00002 and 0.00003; TOPMed 0.00004; ExAC 0.00007.
gnomAD v4.1: 35 of 1,440,824 alleles (0.0024%); highest among the groups gnomAD compares: Middle Eastern, 0.019%; no homozygotes.

Submissions (6):

Labcorp Genetics (formerly Invitae), Labcorp
Classification: Likely benign for Hypertrophic cardiomyopathy. Last evaluated: 2025-12-08. Review status: criteria provided, single submitter. Criteria: Invitae Variant Classification Sherloc (09022015). Collection method: clinical testing. Allele origin: germline.

PreventionGenetics, part of Exact Sciences
Classification: Likely benign for MYBPC3-related condition. Last evaluated: 2025-05-22. Review status: criteria provided, single submitter. Criteria: ACMG Guidelines, 2015. Collection method: clinical testing. Allele origin: germline.
Comment: This variant is classified as likely benign based on ACMG/AMP sequence variant interpretation guidelines (Richards et al. 2015 PMID: 25741868, with internal and published modifications).

Women's Health and Genetics/Laboratory Corporation of America, LabCorp
Classification: Likely benign. Last evaluated: 2025-04-07. Review status: criteria provided, single submitter. Criteria: LabCorp Variant Classification Summary - May 2015. Collection method: clinical testing. Allele origin: germline.

All of Us Research Program, National Institutes of Health
Classification: Likely benign for Hypertrophic cardiomyopathy. Last evaluated: 2023-05-16. Review status: criteria provided, single submitter. Criteria: ACMG Guidelines, 2015. Collection method: clinical testing. Allele origin: germline. Inheritance: Autosomal dominant inheritance. Observed: 2 variant alleles, 2 heterozygotes.
Comment: This study involves interpretation of variants in research participants for the purpose of population health screening. Participant phenotype was not available at the time of variant classification. Additional details can be found in publication PMID: 35346344, PMCID: PMC8962531

Ambry Genetics
Classification: Likely benign for Cardiovascular phenotype. Last evaluated: 2020-01-16. Review status: criteria provided, single submitter. Criteria: Ambry Variant Classification Scheme 2023. Collection method: clinical testing. Allele origin: germline.

Color Diagnostics, LLC DBA Color Health
Classification: Likely benign for Cardiomyopathy. Last evaluated: 2019-05-20. Review status: criteria provided, single submitter. Criteria: ACMG Guidelines, 2015. Collection method: clinical testing. Allele origin: germline.